The following is an entry in ClinVar:

ClinVar aggregate classification (germline): Uncertain significance. Review status: criteria provided, multiple submitters, no conflicts (2 of 4 stars). 3 submissions from 3 submitters: Uncertain significance (3). Last evaluated 2024-03-25.

Conditions:
Inborn genetic diseases. Identifiers: MedGen C0950123, MeSH D030342.
LAMA2-related muscular dystrophy (LAMA2-RD). Also called: Laminin alpha 2-related dystrophy. Identifiers: MedGen C5679788, MONDO:0100228.

Allele frequency attached by ClinVar (database versions not stated): ExAC 0.00001; gnomAD exomes 0.00001 and 0.00002.
gnomAD v4.1: 26 of 1,613,996 alleles (0.0016%); highest among the groups gnomAD compares: Non-Finnish European, 0.0022%; no homozygotes.

Submissions (3):

Ambry Genetics
Classification: Uncertain significance for Inborn genetic diseases. Last evaluated: 2024-03-25. Review status: criteria provided, single submitter. Criteria: Ambry Variant Classification Scheme 2023. Collection method: clinical testing. Allele origin: germline.

Labcorp Genetics (formerly Invitae), Labcorp
Classification: Uncertain significance for LAMA2-related muscular dystrophy. Last evaluated: 2021-09-17. Review status: criteria provided, single submitter. Criteria: Invitae Variant Classification Sherloc (09022015). Collection method: clinical testing. Allele origin: germline.
Comment: This sequence change replaces tyrosine with cysteine at codon 1532 of the LAMA2 protein (p.Tyr1532Cys). The tyrosine residue is moderately conserved and there is a large physicochemical difference between tyrosine and cysteine. This variant is present in population databases (rs763732088, ExAC 0.002%). This variant has not been reported in the literature in individuals with LAMA2-related conditions. Algorithms developed to predict the effect of missense changes on protein structure and function are either unavailable or do not agree on the potential impact of this missense change (SIFT: "Tolerated"; PolyPhen-2: "Possibly Damaging"; Align-GVGD: "Class C0"). In summary, the available evidence is currently insufficient to determine the role of this variant in disease. Therefore, it has been classified as a Variant of Uncertain Significance.

GeneDx
Classification: Uncertain significance. Last evaluated: 2021-04-14. Review status: criteria provided, single submitter. Criteria: GeneDx Variant Classification Process June 2021. Collection method: clinical testing. Allele origin: germline. Affected: yes.
Comment: Not observed at a significant frequency in large population cohorts (Lek et al., 2016); In silico analysis supports that this missense variant has a deleterious effect on protein structure/function; Has not been previously published as pathogenic or benign to our knowledge

NM_000426.4(LAMA2):c.4595A>G (p.Tyr1532Cys)

Gene: LAMA2 (laminin subunit alpha 2; plus strand). Cytogenetic location: 6q22.33.
Variant type: single nucleotide variant.
Coding change: c.4595A>G on transcript NM_000426.4 (MANE Select); coding-DNA position 4595, A replaced by G.
Protein change: p.Tyr1532Cys; replaces tyrosine 1532 with cysteine.
Molecular consequence: missense variant.
Genome position (GRCh38, 1-based): chr6:129,353,235, A>G. VCF-style: chr6-129353235-A-G. GRCh37 (hg19) VCF-style: chr6-129674380-A-G.
Other names: c.4595A>G, p.Tyr1532Cys (NM_001079823.2); short protein forms Y1532C.
Identifiers: ClinVar variation 1314775 (VCV001314775.7), dbSNP rs763732088, ClinGen allele CA3993606.